The following is an entry in ClinVar:

NM_001042492.3(NF1):c.6686_6688del (p.Trp2229_Thr2230delinsSer)

Gene: NF1 (neurofibromin 1; plus strand). Cytogenetic location: 17q11.2.
Variant type: Deletion.
Coding change: c.6686_6688del on transcript NM_001042492.3 (MANE Select); coding-DNA positions 6686 to 6688, 3 bases deleted (GGA; older notation c.6686_6688delGGA).
Protein change: p.Trp2229_Thr2230delinsSer.
Molecular consequence: inframe indel.
Genome position (GRCh38, 1-based): chr17:31,337,862-31,337,864, GGA deleted. VCF-style (leftmost placement, unchanged base first): chr17-31337861-TGGA-T. GRCh37 (hg19) VCF-style: chr17-29664879-TGGA-T.
Other names: c.6623_6625delGGA, p.Trp2208_Thr2209delinsSer (NM_000267.4).
Identifiers: ClinVar variation 949971 (VCV000949971.6), dbSNP rs2069718437, ClinGen allele CA1139665453.
Genomic context (GRCh38, chr17:31,337,861, plus strand): 5'-GAGTATCCCCTTTTTTAGGCATGCATGAGAGATATTCCAACGTGCAAGTGGCTGGACCAG[TGGA>T]CAGAACTAGCTCAAAGGTATGTCCTAAATTAAATATAAGTTGTAAAAATATGCATATTGT-3'

ClinVar aggregate classification (germline): Pathogenic (1 of 4 stars; one submission).

Conditions:
Neurofibromatosis, type 1 (NF1). Also called: VON RECKLINGHAUSEN DISEASE; NEUROFIBROMATOSIS, TYPE I, SOMATIC; Peripheral type neurofibromatosis; Neurofibromatosis, type I. Identifiers: Orphanet 636, MedGen C0027831, MONDO:0018975, OMIM 162200. Disease mechanism: loss of function.

Submission:

Labcorp Genetics (formerly Invitae), Labcorp
Classification: Pathogenic for Neurofibromatosis, type 1. Last evaluated: 2023-07-14. Review status: criteria provided, single submitter. Criteria: Invitae Variant Classification Sherloc (09022015). Collection method: clinical testing. Allele origin: germline.
Comment: For these reasons, this variant has been classified as Pathogenic. This variant disrupts a region of the NF1 protein in which other variant(s) (p.Trp2208Arg) have been determined to be pathogenic (Invitae). This suggests that this is a clinically significant region of the protein, and that variants that disrupt it are likely to be disease-causing. ClinVar contains an entry for this variant (Variation ID: 949971). This variant has not been reported in the literature in individuals affected with NF1-related conditions. This variant is not present in population databases (gnomAD no frequency). This variant, c.6623_6625del, is a complex sequence change that results in the deletion of 2 and insertion of 1 amino acid(s) in the NF1 protein (p.Trp2208_Thr2209delinsSer).